The following is an entry in ClinVar:

NM_002878.4(RAD51D):c.694C>A (p.Arg232=)

Genes: RAD51L3-RFFL (RAD51L3-RFFL readthrough; minus strand), RAD51D (RAD51 paralog D; minus strand). Cytogenetic location: 17q12.
Variant type: single nucleotide variant.
Coding change: c.694C>A on transcript NM_002878.4 (MANE Select); coding-DNA position 694, C replaced by A.
Protein change: p.Arg232=; no amino-acid change (arginine 232 retained).
Molecular consequence: synonymous variant. On other transcripts: non-coding transcript variant (3).
Genome position (GRCh38, 1-based): chr17:35,103,298, G>T on the plus strand (C>A on the coding strand, the complement: RAD51D is on the minus strand). VCF-style: chr17-35103298-G-T. GRCh37 (hg19) VCF-style: chr17-33430317-G-T.
Other names: c.754C>A, p.Arg252= (NM_001142571.2); c.358C>A, p.Arg120= (NM_133629.3).
Identifiers: ClinVar variation 539867 (VCV000539867.10), dbSNP rs587780104, ClinGen allele CA499730475.

ClinVar aggregate classification (germline): Benign/Likely benign. Review status: criteria provided, multiple submitters, no conflicts (2 of 4 stars). 2 submissions from 2 submitters: Benign (1); Likely benign (1). Last evaluated 2025-02-24.

Conditions:
Breast-ovarian cancer, familial, susceptibility to, 4. Identifiers: Orphanet 145, MedGen C3280345, MONDO:0013669, OMIM 614291.

Submissions (2):

Myriad Genetics, Inc.
Classification: Benign for Breast-ovarian cancer, familial, susceptibility to, 4. Last evaluated: 2025-02-24. Review status: criteria provided, single submitter. Criteria: Myriad Autosomal Dominant, Autosomal Recessive and X-Linked Classification Criteria (2023). Collection method: clinical testing. Allele origin: unknown.
Comment: This variant is considered benign. This variant is a silent/synonymous amino acid change and it is not expected to impact splicing.

Labcorp Genetics (formerly Invitae), Labcorp
Classification: Likely benign for Breast-ovarian cancer, familial, susceptibility to, 4. Last evaluated: 2019-11-23. Review status: criteria provided, single submitter. Criteria: Invitae Variant Classification Sherloc (09022015). Collection method: clinical testing. Allele origin: germline.